The following is an entry in ClinVar:

ClinVar aggregate classification (germline): Pathogenic (1 of 4 stars; one submission).

Conditions:
Mucopolysaccharidosis type 1. Also called: Mucopolysaccharidosis Type I; IDUA deficiency; MPS I. Identifiers: Orphanet 579, MedGen C0023786, MONDO:0001586.

Allele frequency attached by ClinVar (database versions not stated): gnomAD exomes below 0.00001.
gnomAD v4.1: 1 of 1,611,790 alleles (0.000062%); highest among the groups gnomAD compares: Non-Finnish European, 0.000085%; no homozygotes.

Submission:

Labcorp Genetics (formerly Invitae), Labcorp
Classification: Pathogenic for Mucopolysaccharidosis type 1. Last evaluated: 2023-02-24. Review status: criteria provided, single submitter. Criteria: Invitae Variant Classification Sherloc (09022015). Collection method: clinical testing. Allele origin: germline.
Comment: This variant is not present in population databases (gnomAD no frequency). This variant has not been reported in the literature in individuals affected with IDUA-related conditions. For these reasons, this variant has been classified as Pathogenic. This sequence change creates a premature translational stop signal (p.Trp579*) in the IDUA gene. It is expected to result in an absent or disrupted protein product. Loss-of-function variants in IDUA are known to be pathogenic (PMID: 11735025, 21480867).

Literature cited by the submitters: PubMed 11735025; PubMed 21480867.

NM_000203.5(IDUA):c.1737G>A (p.Trp579Ter)

Gene: IDUA (alpha-L-iduronidase; plus strand). Cytogenetic location: 4p16.3.
Variant type: single nucleotide variant.
Coding change: c.1737G>A on transcript NM_000203.5 (MANE Select); coding-DNA position 1737, G replaced by A.
Protein change: p.Trp579Ter; replaces tryptophan 579 with a stop codon.
Molecular consequence: nonsense. On other transcripts: non-coding transcript variant (1).
Genome position (GRCh38, 1-based): chr4:1,004,021, G>A. VCF-style: chr4-1004021-G-A. GRCh37 (hg19) VCF-style: chr4-997809-G-A.
Other names: c.1341G>A, p.Trp447Ter (NM_001363576.1); short protein forms W447*, W579*.
Identifiers: ClinVar variation 2840408 (VCV002840408.3), dbSNP rs2534102276, ClinGen allele CA355965328.
Genomic context (GRCh38, chr4:1,004,021, plus strand): 5'-CCTTTGAGGACTGTCTTGACCCCAGCCTTGTTCTTGGCCTGACCTCCCCAGGTGCCTGTG[G>A]ACATACGAGATCCAGTTCTCTCAGGACGGTAAGGCGTACACCCCGGTCAGCAGGAAGCCA-3'